The following is an entry in ClinVar:

NM_000051.4(ATM):c.5960C>G (p.Ser1987Cys)

Genes: ATM (ATM serine/threonine kinase; plus strand), C11orf65 (chromosome 11 open reading frame 65; minus strand). Cytogenetic location: 11q22.3.
Variant type: single nucleotide variant.
Coding change: c.5960C>G on transcript NM_000051.4 (MANE Select); coding-DNA position 5960, C replaced by G.
Protein change: p.Ser1987Cys; replaces serine 1987 with cysteine.
Molecular consequence: missense variant. On other transcripts: intron variant (2).
Genome position (GRCh38, 1-based): chr11:108,312,452, C>G. VCF-style: chr11-108312452-C-G. GRCh37 (hg19) VCF-style: chr11-108183179-C-G.
Other names: c.5960C>G, p.Ser1987Cys (NM_001351834.2); c.641-3381G>C (NM_001330368.2); c.*39-3381G>C (NM_001351110.2); short protein forms S1987C.
Identifiers: ClinVar variation 3965989 (VCV003965989.1).
Genomic context (GRCh38, chr11:108,312,452, plus strand): 5'-GTGTTCTTGTGACAAACAGAAGTCTTGCATTTGAAGAAGGAAGCCAGAGTACAACTATTT[C>G]TAGCTTGAGTGAAAAAAGTAAAGAAGAAACTGGAATAAGTTTACAGGTAAATATTAGAGG-3'
Protein context (NP_000042.3, residues 1977-1997): FEEGSQSTTI[Ser1987Cys]SLSEKSKEET

ClinVar aggregate classification (germline): Uncertain significance (1 of 4 stars; one submission).

Conditions:
Hereditary cancer-predisposing syndrome. Also called: Neoplastic Syndromes, Hereditary; Tumor predisposition; Hereditary Cancer Syndrome; Hereditary neoplastic syndrome. Identifiers: Orphanet 140162, MedGen C0027672, MeSH D009386, MONDO:0015356.

Submission:

Ambry Genetics
Classification: Uncertain significance for Hereditary cancer-predisposing syndrome. Last evaluated: 2025-03-24. Review status: criteria provided, single submitter. Criteria: Ambry Variant Classification Scheme 2023. Collection method: clinical testing. Allele origin: germline.
Comment: The p.S1987C variant (also known as c.5960C>G), located in coding exon 39 of the ATM gene, results from a C to G substitution at nucleotide position 5960. The serine at codon 1987 is replaced by cysteine, an amino acid with dissimilar properties. This amino acid position is conserved. In addition, this alteration is predicted to be tolerated by in silico analysis. Based on the available evidence, the clinical significance of this variant remains unclear.